The following is an entry in ClinVar:

NM_001184.4(ATR):c.1023_1024delinsAA (p.Leu342Ile)

Gene: ATR (ATR checkpoint kinase; minus strand). Cytogenetic location: 3q23.
Variant type: Indel.
Coding change: c.1023_1024delinsAA on transcript NM_001184.4 (MANE Select); coding-DNA positions 1023 to 1024, GC replaced by AA.
Protein change: p.Leu342Ile; replaces leucine 342 with isoleucine.
Molecular consequence: missense variant.
Genome position (GRCh38, 1-based): chr3:142,562,378-142,562,379, GC replaced by TT on the plus strand (GC replaced by AA on the coding strand, the reverse complement: ATR is on the minus strand). VCF-style: chr3-142562378-GC-TT. GRCh37 (hg19) VCF-style: chr3-142281220-GC-TT.
Other names: c.1023_1024delinsAA, p.Leu342Ile (NM_001354579.2); short protein forms L342I.
Identifiers: ClinVar variation 2748134 (VCV002748134.3), dbSNP rs2473425664, ClinGen allele CA2697556902.
Genomic context (GRCh38, chr3:142,562,378, plus strand): 5'-CATACCCAGCTGGCACAAATTTAAGGAAATACTGCAGTAAATGGCACAAAGCTGCTTTTA[GC>TT]AAATCAGACTTAAGCCGCATGAGCACACCGTCTTCAAACATGACACAGAGTTTTTCCAGC-3'
Protein context (NP_001175.2, residues 332-352): GVLMRLKSDL[Leu342Ile]KAALCHLLQY

ClinVar aggregate classification (germline): Uncertain significance (1 of 4 stars; one submission).

Submission:

Labcorp Genetics (formerly Invitae), Labcorp
Classification: Uncertain significance. Last evaluated: 2025-04-24. Review status: criteria provided, single submitter. Criteria: Invitae Variant Classification Sherloc (09022015). Collection method: clinical testing. Allele origin: germline.
Comment: This sequence change replaces leucine, which is neutral and non-polar, with isoleucine, which is neutral and non-polar, at codon 342 of the ATR protein (p.Leu342Ile). Information on the frequency of this variant in the gnomAD database is not available, as this variant may be reported differently in the database. This variant has not been reported in the literature in individuals affected with ATR-related conditions. ClinVar contains an entry for this variant (Variation ID: 2748134). Experimental studies and prediction algorithms are not available or were not evaluated, and the functional significance of this variant is currently unknown. In summary, the available evidence is currently insufficient to determine the role of this variant in disease. Therefore, it has been classified as a Variant of Uncertain Significance.